The following is an entry in ClinVar:

NM_000046.5(ARSB):c.838G>A (p.Val280Ile)

Gene: ARSB (arylsulfatase B; minus strand). Cytogenetic location: 5q14.1.
Variant type: single nucleotide variant.
Coding change: c.838G>A on transcript NM_000046.5 (MANE Select); coding-DNA position 838, G replaced by A.
Protein change: p.Val280Ile; replaces valine 280 with isoleucine.
Molecular consequence: missense variant.
Genome position (GRCh38, 1-based): chr5:78,955,355, C>T on the plus strand (G>A on the coding strand, the complement: ARSB is on the minus strand). VCF-style: chr5-78955355-C-T. GRCh37 (hg19) VCF-style: chr5-78251178-C-T.
Other names: c.838G>A, p.Val280Ile (NM_198709.3); short protein forms V280I.
Identifiers: ClinVar variation 2184503 (VCV002184503.3), dbSNP rs1416669490, ClinGen allele CA360192020.

ClinVar aggregate classification (germline): Uncertain significance (1 of 4 stars; one submission).

Conditions:
Mucopolysaccharidosis type 6 (MPS6). Also called: MPS 6; Maroteaux Lamy syndrome; MPS VI; ARSB DEFICIENCY; ARYLSULFATASE B DEFICIENCY; N-ACETYLGALACTOSAMINE-4-SULFATASE DEFICIENCY. Identifiers: Orphanet 583, MedGen C0026709, MONDO:0009661, OMIM 253200.

Submission:

Labcorp Genetics (formerly Invitae), Labcorp
Classification: Uncertain significance for Mucopolysaccharidosis type 6. Last evaluated: 2024-02-17. Review status: criteria provided, single submitter. Criteria: Invitae Variant Classification Sherloc (09022015). Collection method: clinical testing. Allele origin: germline.
Comment: This sequence change replaces valine, which is neutral and non-polar, with isoleucine, which is neutral and non-polar, at codon 280 of the ARSB protein (p.Val280Ile). This variant is not present in population databases (gnomAD no frequency). This variant has not been reported in the literature in individuals affected with ARSB-related conditions. ClinVar contains an entry for this variant (Variation ID: 2184503). Advanced modeling of protein sequence and biophysical properties (such as structural, functional, and spatial information, amino acid conservation, physicochemical variation, residue mobility, and thermodynamic stability) performed at Invitae indicates that this missense variant is not expected to disrupt ARSB protein function with a negative predictive value of 80%. In summary, the available evidence is currently insufficient to determine the role of this variant in disease. Therefore, it has been classified as a Variant of Uncertain Significance.